The following is an entry in ClinVar:

ClinVar aggregate classification (germline): Benign (1 of 4 stars; one submission).

Conditions:
CYTIDINE 5-PRIME TRIPHOSPHATE SYNTHETASE 2 deficiency.

Allele frequency attached by ClinVar (database versions not stated): gnomAD exomes below 0.00001; gnomAD 0.00001; TOPMed 0.00002.
gnomAD v4.1: 2 of 1,198,558 alleles (0.00017%); highest among the groups gnomAD compares: Non-Finnish European, 0.00023%; no homozygotes.

Submission:

Genomics Facility, Ludwig-Maximilians-Universität München
Classification: Benign for CYTIDINE 5-PRIME TRIPHOSPHATE SYNTHETASE 2 deficiency. Last evaluated: 2022-02-08. Review status: criteria provided, single submitter. Criteria: ACMG Guidelines, 2015. Collection method: clinical testing. Allele origin: germline. Inheritance: X-linked inheritance. Affected: no. Observed: 2 variant alleles, 2 hemizygotes.

NM_175859.3(CTPS2):c.1032G>C (p.Lys344Asn)

Gene: CTPS2 (CTP synthase 2; minus strand). Cytogenetic location: Xp22.2.
Variant type: single nucleotide variant.
Coding change: c.1032G>C on transcript NM_175859.3 (MANE Select); coding-DNA position 1032, G replaced by C.
Protein change: p.Lys344Asn; replaces lysine 344 with asparagine.
Molecular consequence: missense variant.
Genome position (GRCh38, 1-based): chrX:16,678,424, C>G on the plus strand (G>C on the coding strand, the complement: CTPS2 is on the minus strand). VCF-style: chrX-16678424-C-G. GRCh37 (hg19) VCF-style: chrX-16696547-C-G.
Other names: c.1032G>C, p.Lys344Asn (NM_001144002.2, NM_019857.5); short protein forms K344N.
Identifiers: ClinVar variation 1339648 (VCV001339648.2), dbSNP rs983238790, ClinGen allele CA327221015.